The following is an entry in ClinVar:

ClinVar aggregate classification (germline): Uncertain significance (1 of 4 stars; one submission).

Conditions:
Immunodeficiency-centromeric instability-facial anomalies syndrome 2 (ICF2). Identifiers: Orphanet 2268, MedGen C3279748, MONDO:0013553, OMIM 614069.

Allele frequency attached by ClinVar (database versions not stated): ExAC 0.00001; gnomAD exomes below 0.00001.
gnomAD v4.1: 2 of 1,614,170 alleles (0.00012%); highest among the groups gnomAD compares: Non-Finnish European, 0.00017%; no homozygotes.

Submission:

Labcorp Genetics (formerly Invitae), Labcorp
Classification: Uncertain significance for Immunodeficiency-centromeric instability-facial anomalies syndrome 2. Last evaluated: 2021-09-24. Review status: criteria provided, single submitter. Criteria: Invitae Variant Classification Sherloc (09022015). Collection method: clinical testing. Allele origin: germline.
Comment: This sequence change replaces phenylalanine with serine at codon 378 of the ZBTB24 protein (p.Phe378Ser). The phenylalanine residue is highly conserved and there is a large physicochemical difference between phenylalanine and serine. This variant is present in population databases (rs746455372, ExAC 0.001%). This variant has not been reported in the literature in individuals with ZBTB24-related conditions. Algorithms developed to predict the effect of missense changes on protein structure and function are either unavailable or do not agree on the potential impact of this missense change (SIFT: "Not Available"; PolyPhen-2: "Probably Damaging"; Align-GVGD: "Not Available"). In summary, the available evidence is currently insufficient to determine the role of this variant in disease. Therefore, it has been classified as a Variant of Uncertain Significance.

NM_014797.3(ZBTB24):c.1133T>C (p.Phe378Ser)

Gene: ZBTB24 (zinc finger and BTB domain containing 24; minus strand). Cytogenetic location: 6q21.
Variant type: single nucleotide variant.
Coding change: c.1133T>C on transcript NM_014797.3 (MANE Select); coding-DNA position 1133, T replaced by C.
Protein change: p.Phe378Ser; replaces phenylalanine 378 with serine.
Molecular consequence: missense variant.
Genome position (GRCh38, 1-based): chr6:109,476,246, A>G on the plus strand (T>C on the coding strand, the complement: ZBTB24 is on the minus strand). VCF-style: chr6-109476246-A-G. GRCh37 (hg19) VCF-style: chr6-109797449-A-G.
Other names: short protein forms F378S.
Identifiers: ClinVar variation 1430881 (VCV001430881.5), dbSNP rs746455372, ClinGen allele CA3954172.